The following is an entry in ClinVar:

NM_000079.4(CHRNA1):c.539C>T (p.Pro180Leu)

Gene: CHRNA1 (cholinergic receptor nicotinic alpha 1 subunit; minus strand). Cytogenetic location: 2q31.1.
Variant type: single nucleotide variant.
Coding change: c.539C>T on transcript NM_000079.4 (MANE Select); coding-DNA position 539, C replaced by T.
Protein change: p.Pro180Leu; replaces proline 180 with leucine.
Molecular consequence: missense variant.
Genome position (GRCh38, 1-based): chr2:174,754,220, G>A on the plus strand (C>T on the coding strand, the complement: CHRNA1 is on the minus strand). VCF-style: chr2-174754220-G-A. GRCh37 (hg19) VCF-style: chr2-175618948-G-A.
Other names: c.614C>T, p.Pro205Leu (NM_001039523.3); short protein forms P205L, P180L.
Identifiers: ClinVar variation 664964 (VCV000664964.8), dbSNP rs373561258, ClinGen allele CA1974534.

ClinVar aggregate classification (germline): Uncertain significance. Review status: criteria provided, multiple submitters, no conflicts (2 of 4 stars). 2 submissions from 2 submitters: Uncertain significance (2). Last evaluated 2025-05-12.

Conditions:
Lethal multiple pterygium syndrome (LMPS). Identifiers: Orphanet 33108, MedGen C1854678, MONDO:0009668, OMIM 253290.

Allele frequency attached by ClinVar (database versions not stated): gnomAD 0.00002 and 0.00003; gnomAD exomes 0.00002; ExAC 0.00003; TOPMed 0.00003; ESP Exome Variant Server 0.00008.
gnomAD v4.1: 36 of 1,612,962 alleles (0.0022%); highest among the groups gnomAD compares: Admixed American, 0.005%; no homozygotes.

Submissions (2):

Labcorp Genetics (formerly Invitae), Labcorp
Classification: Uncertain significance for Lethal multiple pterygium syndrome. Last evaluated: 2025-05-12. Review status: criteria provided, single submitter. Criteria: Invitae Variant Classification Sherloc (09022015). Collection method: clinical testing. Allele origin: germline.
Comment: This sequence change replaces proline, which is neutral and non-polar, with leucine, which is neutral and non-polar, at codon 180 of the CHRNA1 protein (p.Pro180Leu). This variant is present in population databases (rs373561258, gnomAD 0.006%). This variant has not been reported in the literature in individuals affected with CHRNA1-related conditions. ClinVar contains an entry for this variant (Variation ID: 664964). An algorithm developed to predict the effect of missense changes on protein structure and function (PolyPhen-2) suggests that this variant is likely to be tolerated. In summary, the available evidence is currently insufficient to determine the role of this variant in disease. Therefore, it has been classified as a Variant of Uncertain Significance.

Breakthrough Genomics
Classification: Uncertain significance. Review status: criteria provided, single submitter. Criteria: ACMG Guidelines, 2015. Collection method: not provided. Allele origin: germline. Inheritance: Autosomal recessive inheritance. Affected: yes.